The following is an entry in ClinVar:

ClinVar aggregate classification (germline): Pathogenic (1 of 4 stars; one submission).

Conditions:
Multiple sulfatase deficiency (MSD). Also called: Multiple Sulfatase Deficiency Disease; Sulfatidosis, Juvenile, Austin Type; Mucosulfatidosis. Identifiers: Orphanet 585, MedGen C0268263, MONDO:0010088, OMIM 272200.

Submission:

Labcorp Genetics (formerly Invitae), Labcorp
Classification: Pathogenic for Multiple sulfatase deficiency. Last evaluated: 2019-04-22. Review status: criteria provided, single submitter. Criteria: Invitae Variant Classification Sherloc (09022015). Collection method: clinical testing. Allele origin: germline.
Comment: A gross deletion of the genomic region encompassing the full coding sequence of the SUMF1 gene has been identified. The boundaries of this event are unknown as the deletion extends beyond the assayed region for this gene and therefore may encompass additional genes. This variant has not been reported in the literature in individuals with SUMF1-related conditions. Loss-of-function variants in SUMF1 are known to be pathogenic (PMID: 12757705, 12757706, 25885655). For these reasons, this variant has been classified as Pathogenic.

NC_000003.12:g.(?_4362124)_(4467265_?)del

Gene: SUMF1 (sulfatase modifying factor 1; minus strand). Cytogenetic location: 3p26.1.
Variant type: Deletion.
Identifiers: ClinVar variation 831018 (VCV000831018.1).